The following is an entry in ClinVar:

NM_000051.4(ATM):c.8329G>C (p.Gly2777Arg)

Genes: ATM (ATM serine/threonine kinase; plus strand), C11orf65 (chromosome 11 open reading frame 65; minus strand). Cytogenetic location: 11q22.3.
Variant type: single nucleotide variant.
Coding change: c.8329G>C on transcript NM_000051.4 (MANE Select); coding-DNA position 8329, G replaced by C.
Protein change: p.Gly2777Arg; replaces glycine 2777 with arginine.
Molecular consequence: missense variant. On other transcripts: intron variant (2).
Genome position (GRCh38, 1-based): chr11:108,343,282, G>C. VCF-style: chr11-108343282-G-C. GRCh37 (hg19) VCF-style: chr11-108214009-G-C.
Other names: c.8329G>C, p.Gly2777Arg (NM_001351834.2); c.641-34211C>G (NM_001330368.2); c.695-7990C>G (NM_001351110.2); short protein forms G2777R.
Identifiers: ClinVar variation 2701428 (VCV002701428.3), dbSNP rs2087823795, ClinGen allele CA382516417.

ClinVar aggregate classification (germline): Uncertain significance (1 of 4 stars; one submission).

Conditions:
Ataxia-telangiectasia syndrome (AT). Also called: LOUIS-BAR SYNDROME; Cerebello-oculocutaneous telangiectasia; Immunodeficiency with ataxia telangiectasia; Ataxia telangiectasia (A-T); Ataxia-telangiectasia, complementation group D; AT, COMPLEMENTATION GROUP C. Identifiers: Orphanet 100, MedGen C0004135, MONDO:0008840, OMIM 208900.

Submission:

Labcorp Genetics (formerly Invitae), Labcorp
Classification: Uncertain significance for Ataxia-telangiectasia syndrome. Last evaluated: 2023-12-08. Review status: criteria provided, single submitter. Criteria: Invitae Variant Classification Sherloc (09022015). Collection method: clinical testing. Allele origin: germline.
Comment: This sequence change replaces glycine, which is neutral and non-polar, with arginine, which is basic and polar, at codon 2777 of the ATM protein (p.Gly2777Arg). This variant is not present in population databases (gnomAD no frequency). This variant has not been reported in the literature in individuals affected with ATM-related conditions. An algorithm developed to predict the effect of missense changes on protein structure and function (PolyPhen-2) suggests that this variant is likely to be disruptive. In summary, the available evidence is currently insufficient to determine the role of this variant in disease. Therefore, it has been classified as a Variant of Uncertain Significance.